The following is an entry in ClinVar:

ClinVar aggregate classification (germline): Uncertain significance. Review status: criteria provided, multiple submitters, no conflicts (2 of 4 stars). 2 submissions from 2 submitters: Uncertain significance (2). Last evaluated 2024-02-23.

Conditions:
Hereditary cancer-predisposing syndrome. Also called: Neoplastic Syndromes, Hereditary; Hereditary Cancer Syndrome; Tumor predisposition; Hereditary neoplastic syndrome. Identifiers: Orphanet 140162, MedGen C0027672, MeSH D009386, MONDO:0015356.
Breast-ovarian cancer, familial, susceptibility to, 4. Identifiers: Orphanet 145, MedGen C3280345, MONDO:0013669, OMIM 614291.

Allele frequency attached by ClinVar (database versions not stated): gnomAD exomes below 0.00001.
gnomAD v4.1: 1 of 1,614,148 alleles (0.000062%); highest among the groups gnomAD compares: Non-Finnish European, 0.000085%; no homozygotes.

Submissions (2):

Ambry Genetics
Classification: Uncertain significance for Hereditary cancer-predisposing syndrome. Last evaluated: 2024-02-23. Review status: criteria provided, single submitter. Criteria: Ambry Variant Classification Scheme 2023. Collection method: clinical testing. Allele origin: germline.
Comment: The p.L264F variant (also known as c.790C>T), located in coding exon 9 of the RAD51D gene, results from a C to T substitution at nucleotide position 790. The leucine at codon 264 is replaced by phenylalanine, an amino acid with highly similar properties. This amino acid position is conserved. In addition, the in silico prediction for this alteration is inconclusive. Based on the available evidence, the clinical significance of this alteration remains unclear.

Labcorp Genetics (formerly Invitae), Labcorp
Classification: Uncertain significance for Breast-ovarian cancer, familial, susceptibility to, 4. Last evaluated: 2019-11-27. Review status: criteria provided, single submitter. Criteria: Invitae Variant Classification Sherloc (09022015). Collection method: clinical testing. Allele origin: germline.
Comment: In summary, the available evidence is currently insufficient to determine the role of this variant in disease. Therefore, it has been classified as a Variant of Uncertain Significance. Algorithms developed to predict the effect of missense changes on protein structure and function are either unavailable or do not agree on the potential impact of this missense change (SIFT: "Tolerated"; PolyPhen-2: "Probably Damaging"; Align-GVGD: "Class C0"). This variant has not been reported in the literature in individuals with RAD51D-related conditions. This variant is not present in population databases (ExAC no frequency). This sequence change replaces leucine with phenylalanine at codon 264 of the RAD51D protein (p.Leu264Phe). The leucine residue is highly conserved and there is a small physicochemical difference between leucine and phenylalanine.

NM_002878.4(RAD51D):c.790C>T (p.Leu264Phe)

Genes: RAD51L3-RFFL (RAD51L3-RFFL readthrough; minus strand), RAD51D (RAD51 paralog D; minus strand). Cytogenetic location: 17q12.
Variant type: single nucleotide variant.
Coding change: c.790C>T on transcript NM_002878.4 (MANE Select); coding-DNA position 790, C replaced by T.
Protein change: p.Leu264Phe; replaces leucine 264 with phenylalanine.
Molecular consequence: missense variant. On other transcripts: non-coding transcript variant (3).
Genome position (GRCh38, 1-based): chr17:35,101,314, G>A on the plus strand (C>T on the coding strand, the complement: RAD51D is on the minus strand). VCF-style: chr17-35101314-G-A. GRCh37 (hg19) VCF-style: chr17-33428333-G-A.
Other names: c.850C>T, p.Leu284Phe (NM_001142571.2); c.454C>T, p.Leu152Phe (NM_133629.3); short protein forms L152F, L264F, L284F.
Identifiers: ClinVar variation 854491 (VCV000854491.7), dbSNP rs2091534659, ClinGen allele CA399086828.